The following is an entry in ClinVar:

ClinVar aggregate classification (germline): Uncertain significance (1 of 4 stars; one submission).

Conditions:
Dystonia 12 (DYT12). Also called: Rapid-Onset Dystonia-Parkinsonism (RDP); DYT-ATP1A3. Identifiers: Orphanet 71517, MedGen C1868681, MONDO:0007496, OMIM 128235.

Submission:

Labcorp Genetics (formerly Invitae), Labcorp
Classification: Uncertain significance for Dystonia 12. Last evaluated: 2025-08-03. Review status: criteria provided, single submitter. Criteria: Invitae Variant Classification Sherloc (09022015). Collection method: clinical testing. Allele origin: germline.
Comment: This sequence change replaces asparagine, which is neutral and polar, with isoleucine, which is neutral and non-polar, at codon 321 of the ATP1A3 protein (p.Asn321Ile). This variant is not present in population databases (gnomAD no frequency). This variant has not been reported in the literature in individuals affected with ATP1A3-related conditions. ClinVar contains an entry for this variant (Variation ID: 1394902). Invitae Evidence Modeling of protein sequence and biophysical properties (such as structural, functional, and spatial information, amino acid conservation, physicochemical variation, residue mobility, and thermodynamic stability) indicates that this missense variant is expected to disrupt ATP1A3 protein function with a positive predictive value of 95%. In summary, the available evidence is currently insufficient to determine the role of this variant in disease. Therefore, it has been classified as a Variant of Uncertain Significance.

NM_152296.5(ATP1A3):c.962A>T (p.Asn321Ile)

Gene: ATP1A3 (ATPase Na+/K+ transporting subunit alpha 3; minus strand). Cytogenetic location: 19q13.2.
Variant type: single nucleotide variant.
Coding change: c.962A>T on transcript NM_152296.5 (MANE Select); coding-DNA position 962, A replaced by T.
Protein change: p.Asn321Ile; replaces asparagine 321 with isoleucine.
Molecular consequence: missense variant.
Genome position (GRCh38, 1-based): chr19:41,984,949, T>A on the plus strand (A>T on the coding strand, the complement: ATP1A3 is on the minus strand). VCF-style: chr19-41984949-T-A. GRCh37 (hg19) VCF-style: chr19-42489101-T-A.
Other names: c.995A>T, p.Asn332Ile (NM_001256213.2); c.1001A>T, p.Asn334Ile (NM_001256214.2); short protein forms N332I, N321I, N334I.
Identifiers: ClinVar variation 1394902 (VCV001394902.6), dbSNP rs1176093601, ClinGen allele CA406052197.